The following is an entry in ClinVar:

NM_003906.5(MCM3AP):c.1597G>A (p.Ala533Thr)

Gene: MCM3AP (minichromosome maintenance complex component 3 associated protein; minus strand). Cytogenetic location: 21q22.3.
Variant type: single nucleotide variant.
Coding change: c.1597G>A on transcript NM_003906.5 (MANE Select); coding-DNA position 1597, G replaced by A.
Protein change: p.Ala533Thr; replaces alanine 533 with threonine.
Molecular consequence: missense variant.
Genome position (GRCh38, 1-based): chr21:46,280,063, C>T on the plus strand (G>A on the coding strand, the complement: MCM3AP is on the minus strand). VCF-style: chr21-46280063-C-T. GRCh37 (hg19) VCF-style: chr21-47699977-C-T.
Other names: short protein forms A533T.
Identifiers: ClinVar variation 1377179 (VCV001377179.8), dbSNP rs2145715752, ClinGen allele CA410529327.

ClinVar aggregate classification (germline): Uncertain significance (1 of 4 stars; one submission).

Allele frequency attached by ClinVar (database versions not stated): gnomAD exomes below 0.00001.
gnomAD v4.1: 2 of 1,614,118 alleles (0.00012%); highest among the groups gnomAD compares: Non-Finnish European, 0.00017%; no homozygotes.

Submission:

Labcorp Genetics (formerly Invitae), Labcorp
Classification: Uncertain significance. Last evaluated: 2022-06-27. Review status: criteria provided, single submitter. Criteria: Invitae Variant Classification Sherloc (09022015). Collection method: clinical testing. Allele origin: germline.
Comment: In summary, the available evidence is currently insufficient to determine the role of this variant in disease. Therefore, it has been classified as a Variant of Uncertain Significance. Algorithms developed to predict the effect of missense changes on protein structure and function output the following: SIFT: "Tolerated"; PolyPhen-2: "Benign"; Align-GVGD: "Class C0". The threonine amino acid residue is found in multiple mammalian species, which suggests that this missense change does not adversely affect protein function. This variant has not been reported in the literature in individuals affected with MCM3AP-related conditions. This variant is not present in population databases (gnomAD no frequency). This sequence change replaces alanine, which is neutral and non-polar, with threonine, which is neutral and polar, at codon 533 of the MCM3AP protein (p.Ala533Thr).